The following is an entry in ClinVar:

NM_006459.4(ERLIN1):c.471C>G (p.Asp157Glu)

Gene: ERLIN1 (ER lipid raft associated 1; minus strand). Cytogenetic location: 10q24.31.
Variant type: single nucleotide variant.
Coding change: c.471C>G on transcript NM_006459.4 (MANE Select); coding-DNA position 471, C replaced by G.
Protein change: p.Asp157Glu; replaces aspartic acid 157 with glutamic acid.
Molecular consequence: missense variant. On other transcripts: 5 prime UTR variant (1), non-coding transcript variant (6).
Genome position (GRCh38, 1-based): chr10:100,174,241, G>C on the plus strand (C>G on the coding strand, the complement: ERLIN1 is on the minus strand). VCF-style: chr10-100174241-G-C. GRCh37 (hg19) VCF-style: chr10-101933998-G-C.
Other names: c.471C>G, p.Asp157Glu (NM_001100626.2, NM_001347857.2, NM_001347859.2 and 2 more transcripts); c.219C>G, p.Asp73Glu (NM_001347856.2); c.-10C>G (NM_001347858.2); short protein forms D157E, D73E.
Identifiers: ClinVar variation 946835 (VCV000946835.9), dbSNP rs1844166742, ClinGen allele CA378154384.

ClinVar aggregate classification (germline): Uncertain significance (1 of 4 stars; one submission).

Conditions:
Hereditary spastic paraplegia 62. Also called: Spastic paraplegia 62, autosomal recessive. Identifiers: Orphanet 401785, MedGen C4284588, MONDO:0014302, OMIM 615681.

Submission:

Labcorp Genetics (formerly Invitae), Labcorp
Classification: Uncertain significance for Hereditary spastic paraplegia 62. Last evaluated: 2022-01-15. Review status: criteria provided, single submitter. Criteria: Invitae Variant Classification Sherloc (09022015). Collection method: clinical testing. Allele origin: germline.
Comment: ClinVar contains an entry for this variant (Variation ID: 946835). Algorithms developed to predict the effect of missense changes on protein structure and function (SIFT, PolyPhen-2, Align-GVGD) all suggest that this variant is likely to be tolerated. In summary, the available evidence is currently insufficient to determine the role of this variant in disease. Therefore, it has been classified as a Variant of Uncertain Significance. This sequence change replaces aspartic acid, which is acidic and polar, with glutamic acid, which is acidic and polar, at codon 157 of the ERLIN1 protein (p.Asp157Glu). This variant is not present in population databases (gnomAD no frequency). This variant has not been reported in the literature in individuals affected with ERLIN1-related conditions.